The following is an entry in ClinVar:

ClinVar aggregate classification (germline): Conflicting classifications of pathogenicity. Review status: criteria provided, conflicting classifications (1 of 4 stars). 3 submissions from 3 submitters: Uncertain significance (2); Likely benign (1). Last evaluated 2024-07-30.

Conditions:
Hereditary cancer-predisposing syndrome. Also called: Tumor predisposition; Neoplastic Syndromes, Hereditary; Hereditary Cancer Syndrome; Hereditary neoplastic syndrome. Identifiers: Orphanet 140162, MedGen C0027672, MeSH D009386, MONDO:0015356.
Ataxia-telangiectasia syndrome (AT). Also called: Cerebello-oculocutaneous telangiectasia; Immunodeficiency with ataxia telangiectasia; ATAXIA-TELANGIECTASIA, COMPLEMENTATION GROUP A; Ataxia-telangiectasia, complementation group D; AT, COMPLEMENTATION GROUP C; ATAXIA-TELANGIECTASIA, FRESNO VARIANT. Identifiers: Orphanet 100, MedGen C0004135, MONDO:0008840, OMIM 208900.

Allele frequency attached by ClinVar (database versions not stated): TOPMed below 0.00001.

Submissions (3):

Labcorp Genetics (formerly Invitae), Labcorp
Classification: Uncertain significance for Ataxia-telangiectasia syndrome. Last evaluated: 2024-07-30. Review status: criteria provided, single submitter. Criteria: Invitae Variant Classification Sherloc (09022015). Collection method: clinical testing. Allele origin: germline.
Comment: This sequence change replaces proline, which is neutral and non-polar, with alanine, which is neutral and non-polar, at codon 938 of the ATM protein (p.Pro938Ala). This variant is not present in population databases (gnomAD no frequency). This variant has not been reported in the literature in individuals affected with ATM-related conditions. ClinVar contains an entry for this variant (Variation ID: 479017). An algorithm developed to predict the effect of missense changes on protein structure and function (PolyPhen-2) suggests that this variant is likely to be tolerated. In summary, the available evidence is currently insufficient to determine the role of this variant in disease. Therefore, it has been classified as a Variant of Uncertain Significance.

Ambry Genetics
Classification: Likely benign for Hereditary cancer-predisposing syndrome. Last evaluated: 2024-05-09. Review status: criteria provided, single submitter. Criteria: Ambry Variant Classification Scheme 2023. Collection method: clinical testing. Allele origin: germline.

Color Diagnostics, LLC DBA Color Health
Classification: Uncertain significance for Hereditary cancer-predisposing syndrome. Last evaluated: 2023-02-17. Review status: criteria provided, single submitter. Criteria: ACMG Guidelines, 2015. Collection method: clinical testing. Allele origin: germline.
Comment: This missense variant replaces proline with alanine at codon 938 of the ATM protein. Computational prediction suggests that this variant may not impact protein structure and function (internally defined REVEL score threshold <= 0.5, PMID: 27666373). To our knowledge, functional studies have not been reported for this variant. This variant has not been reported in individuals affected with ATM-related disorders in the literature. This variant has not been identified in the general population by the Genome Aggregation Database (gnomAD). The available evidence is insufficient to determine the role of this variant in disease conclusively. Therefore, this variant is classified as a Variant of Uncertain Significance.

NM_000051.4(ATM):c.2812C>G (p.Pro938Ala)

Gene: ATM (ATM serine/threonine kinase; plus strand). Cytogenetic location: 11q22.3.
Variant type: single nucleotide variant.
Coding change: c.2812C>G on transcript NM_000051.4 (MANE Select); coding-DNA position 2812, C replaced by G.
Protein change: p.Pro938Ala; replaces proline 938 with alanine.
Molecular consequence: missense variant.
Genome position (GRCh38, 1-based): chr11:108,268,583, C>G. VCF-style: chr11-108268583-C-G. GRCh37 (hg19) VCF-style: chr11-108139310-C-G.
Other names: c.2812C>G, p.Pro938Ala (NM_001351834.2); short protein forms P938A.
Identifiers: ClinVar variation 479017 (VCV000479017.14), dbSNP rs1415567368, ClinGen allele CA382545731.